The following is an entry in ClinVar:

ClinVar aggregate classification (germline): Uncertain significance (1 of 4 stars; one submission).

Submission:

GeneDx
Classification: Uncertain significance. Last evaluated: 2023-10-26. Review status: criteria provided, single submitter. Criteria: GeneDx Variant Classification Process June 2021. Collection method: clinical testing. Allele origin: germline. Affected: yes.
Comment: In silico analysis supports that this missense variant does not alter protein structure/function; Has not been previously published as pathogenic or benign to our knowledge

NM_015559.3(SETBP1):c.4717C>T (p.Leu1573Phe)

Gene: SETBP1 (SET binding protein 1; plus strand). Cytogenetic location: 18q12.3.
Variant type: single nucleotide variant.
Coding change: c.4717C>T on transcript NM_015559.3 (MANE Select); coding-DNA position 4717, C replaced by T.
Protein change: p.Leu1573Phe; replaces leucine 1573 with phenylalanine.
Molecular consequence: missense variant.
Genome position (GRCh38, 1-based): chr18:45,063,624, C>T. VCF-style: chr18-45063624-C-T. GRCh37 (hg19) VCF-style: chr18-42643589-C-T.
Other names: c.4717C>T, p.Leu1573Phe (NM_001379141.1, NM_001379142.1); c.4546C>T, p.Leu1516Phe (NM_001410862.1); short protein forms L1516F, L1573F.
Identifiers: ClinVar variation 3363446 (VCV003363446.1).
Genomic context (GRCh38, chr18:45,063,624, plus strand): 5'-AGGAAACACAAACCGCAGGCCCCCGCTCAGCCCCCACAGCAGTCGCCCCCGCAGCAGCCC[C>T]TTCCCCAGGAAGAGGAGGTGAAAGCCAAAAGGCAGAGGAAGTCCCGAGGGAGTGAGAGCG-3'
Protein context (NP_056374.2, residues 1563-1583): PPQQSPPQQP[Leu1573Phe]PQEEEVKAKR